The following is an entry in ClinVar:

ClinVar aggregate classification (germline): Likely pathogenic. Review status: criteria provided, multiple submitters, no conflicts (2 of 4 stars). 4 submissions from 4 submitters: Likely pathogenic (4). Last evaluated 2025-12-13.

Conditions:
Autosomal recessive limb-girdle muscular dystrophy type 2J (LGMDR10). Also called: MUSCULAR DYSTROPHY, LIMB-GIRDLE, AUTOSOMAL RECESSIVE 10; Limb-girdle muscular dystrophy, type 2J. Identifiers: Orphanet 140922, MedGen C1837342, MONDO:0012127, OMIM 608807.
Dilated cardiomyopathy 1G (CMD1G). Identifiers: Orphanet 154, MedGen C1858763, MONDO:0011400, OMIM 604145.
Cardiovascular phenotype. Identifiers: MedGen CN230736.
Primary familial dilated cardiomyopathy (FDC). Also called: Familial dilated cardiomyopathy; Hypokinetic dilated cardiomyopathy, familial. Identifiers: Orphanet 217607, MedGen C0340427, MONDO:0016333.

Submissions (4):

Labcorp Genetics (formerly Invitae), Labcorp
Classification: Likely pathogenic for Dilated cardiomyopathy 1G; Autosomal recessive limb-girdle muscular dystrophy type 2J. Last evaluated: 2025-12-13. Review status: criteria provided, single submitter. Criteria: Invitae Variant Classification Sherloc (09022015). Collection method: clinical testing. Allele origin: germline.
Comment: This sequence change creates a premature translational stop signal (p.Gln14654*) in the TTN gene. While this is not anticipated to result in nonsense mediated decay, it is expected to create a truncated TTN protein. This variant is not present in population databases (gnomAD no frequency). This variant has not been observed in the literature in individuals with autosomal recessive TTN-related conditions. This variant has been reported in individual(s) with autosomal dominant dilated cardiomyopathy (internal data); however, the role of the variant in this condition is currently unclear. ClinVar contains an entry for this variant (Variation ID: 1696009). This variant is located in the I band of TTN (PMID: 25589632). Truncating variants in this region have been reported in individuals affected with autosomal recessive centronuclear myopathy (PMID: 23975875, internal data). Truncating variants in this region have also been identified in individuals affected with autosomal dominant dilated cardiomyopathy and/or cardio-related conditions (PMID: 27869827, 32964742, internal data). In summary, the currently available evidence indicates that the variant is pathogenic, but additional data are needed to prove that conclusively. Therefore, this variant has been classified as Likely Pathogenic.

Women's Health and Genetics/Laboratory Corporation of America, LabCorp
Classification: Likely pathogenic for Primary familial dilated cardiomyopathy. Last evaluated: 2025-04-25. Review status: criteria provided, single submitter. Criteria: LabCorp Variant Classification Summary - May 2015. Collection method: clinical testing. Allele origin: germline.
Comment: Variant summary: TTN NM_133378:c.36256C>T (p.Gln12086X) (also known as NM_001267550: c.43960C>T (p.Gln14654X)) results in a premature termination codon, predicted to cause a truncation of the encoded protein or absence of the protein due to nonsense mediated decay, which are commonly known mechanisms for disease. Loss of function variants in all TTN bands are strongly associated with a spectrum of autosomal recessive titinopathies when exon expression (proportion spliced in, PSI, 1=complete expression) in skeletal muscle is >0.1 (PMID: 36977548, 39198997, 29598826, 32778822, 29691892, 33449170, 36977548, internal data). In contrast, loss of function variants in all TTN bands are only strongly associated with autosomal dominant TTN-related cardiomyopathies if located in exons constitutively expressed (PSI >0.9) in cardiac muscle, excluding extreme C-terminal exons 359-363 (PMID: 25589632, 31216868, 32964742, 34662387, 27869827, Shetty et al., Nat Cardiovasc Res 2024,, internal data). This variant has a maximum skeletal muscle PSI of 0.964 and a maximum cardiac muscle PSI of 1. The variant was absent in 248306 control chromosomes. To our knowledge, no occurrence of c.36256C>T in individuals affected with Dilated Cardiomyopathy and no experimental evidence demonstrating its impact on protein function have been reported. ClinVar contains an entry for this variant (Variation ID: 1696009). Based on the evidence outlined above, the variant was classified as likely pathogenic.

Molecular Diagnostic Laboratory for Inherited Cardiovascular Disease, Montreal Heart Institute
Classification: Likely pathogenic for Cardiovascular phenotype. Last evaluated: 2021-07-21. Review status: criteria provided, single submitter. Criteria: ACMG Guidelines, 2015. Collection method: clinical testing. Allele origin: germline. Affected: yes.

Clinical Genetics Service, Universitary Hospital 12 de Octubre
Classification: Likely pathogenic for Dilated cardiomyopathy 1G. Review status: criteria provided, single submitter. Criteria: ACMG Guidelines, 2015. Collection method: clinical testing. Allele origin: germline. Affected: yes.

Literature cited by the submitters: PubMed 25589632 (cited by Labcorp Genetics (formerly Invitae), Labcorp); PubMed 23975875 (cited by Labcorp Genetics (formerly Invitae), Labcorp); PubMed 27869827 (cited by Labcorp Genetics (formerly Invitae), Labcorp); PubMed 32964742 (cited by Labcorp Genetics (formerly Invitae), Labcorp).

NM_001267550.2(TTN):c.43960C>T (p.Gln14654Ter)

Gene: TTN (titin; minus strand). Cytogenetic location: 2q31.2.
Variant type: single nucleotide variant.
Coding change: c.43960C>T on transcript NM_001267550.2 (MANE Select); coding-DNA position 43960, C replaced by T.
Protein change: p.Gln14654Ter; replaces glutamine 14654 with a stop codon.
Molecular consequence: nonsense.
Genome position (GRCh38, 1-based): chr2:178,631,088, G>A on the plus strand (C>T on the coding strand, the complement: TTN is on the minus strand). VCF-style: chr2-178631088-G-A. GRCh37 (hg19) VCF-style: chr2-179495815-G-A.
Other names: c.17341C>T, p.Gln5781Ter (NM_133437.4); c.39037C>T, p.Gln13013Ter (NM_001256850.1); c.16765C>T, p.Gln5589Ter (NM_003319.4); c.36256C>T, p.Gln12086Ter (NM_133378.4); c.17140C>T, p.Gln5714Ter (NM_133432.3); short protein forms Q12086*, Q13013*, Q14654*, Q5589*, Q5714*, Q5781*.
Identifiers: ClinVar variation 1696009 (VCV001696009.6), dbSNP rs1463883512, ClinGen allele CA349646666.